The following is an entry in ClinVar:

NM_000256.3(MYBPC3):c.1335G>A (p.Thr445=)

Gene: MYBPC3 (myosin binding protein C3; minus strand). Cytogenetic location: 11p11.2.
Variant type: single nucleotide variant.
Coding change: c.1335G>A on transcript NM_000256.3 (MANE Select); coding-DNA position 1335, G replaced by A.
Protein change: p.Thr445=; no amino-acid change (threonine 445 retained).
Molecular consequence: synonymous variant.
Genome position (GRCh38, 1-based): chr11:47,343,037, C>T on the plus strand (G>A on the coding strand, the complement: MYBPC3 is on the minus strand). VCF-style: chr11-47343037-C-T. GRCh37 (hg19) VCF-style: chr11-47364588-C-T.
Identifiers: ClinVar variation 164121 (VCV000164121.25), dbSNP rs727503205, ClinGen allele CA010124.

ClinVar aggregate classification (germline): Likely benign. Review status: criteria provided, multiple submitters, no conflicts (2 of 4 stars). 9 submissions from 9 submitters: Likely benign (8). 1 of the submissions does not count toward it. Last evaluated 2025-12-24.

Conditions:
MYBPC3-related disorder. Also called: MYBPC3-related disorders; MYBPC3-related condition; MYBPC3-related disease.
Cardiovascular phenotype. Identifiers: MedGen CN230736.
Cardiomyopathy (CMYO). Also called: Cardiomyopathies. Identifiers: Orphanet 167848, MedGen C0878544, MONDO:0004994, HP:0001638. Inheritance: Various modes of inheritance.
Hypertrophic cardiomyopathy. Also called: HYPERTROPHIC MYOCARDIOPATHY. Identifiers: Orphanet 217569, MedGen C0007194, MeSH D002312, MONDO:0005045, HP:0001639.

Allele frequency attached by ClinVar (database versions not stated): ExAC 0.00003; gnomAD 0.00006; TOPMed 0.00008.
gnomAD v4.1: 75 of 1,613,136 alleles (0.0046%); highest among the groups gnomAD compares: Admixed American, 0.018%; no homozygotes.

Submissions (9):

Labcorp Genetics (formerly Invitae), Labcorp
Classification: Likely benign for Hypertrophic cardiomyopathy. Last evaluated: 2025-12-24. Review status: criteria provided, single submitter. Criteria: Invitae Variant Classification Sherloc (09022015). Collection method: clinical testing. Allele origin: germline.

Women's Health and Genetics/Laboratory Corporation of America, LabCorp
Classification: Likely benign. Last evaluated: 2025-02-22. Review status: criteria provided, single submitter. Criteria: LabCorp Variant Classification Summary - May 2015. Collection method: clinical testing. Allele origin: germline.

All of Us Research Program, National Institutes of Health
Classification: Likely benign for Hypertrophic cardiomyopathy. Last evaluated: 2024-01-11. Review status: criteria provided, single submitter. Criteria: ACMG Guidelines, 2015. Collection method: clinical testing. Allele origin: germline. Inheritance: Autosomal dominant inheritance. Observed: 8 variant alleles, 8 heterozygotes.
Comment: This study involves interpretation of variants in research participants for the purpose of population health screening. Participant phenotype was not available at the time of variant classification. Additional details can be found in publication PMID: 35346344, PMCID: PMC8962531

Blueprint Genetics
Classification: Likely benign. Last evaluated: 2022-09-06. Review status: criteria provided, single submitter. Criteria: ACMG Guidelines, 2015. Collection method: clinical testing. Allele origin: germline.

Ambry Genetics
Classification: Likely benign for Cardiovascular phenotype. Last evaluated: 2019-07-08. Review status: criteria provided, single submitter. Criteria: Ambry Variant Classification Scheme 2023. Collection method: clinical testing. Allele origin: germline.

Color Diagnostics, LLC DBA Color Health
Classification: Likely benign for Cardiomyopathy. Last evaluated: 2018-11-27. Review status: criteria provided, single submitter. Criteria: ACMG Guidelines, 2015. Collection method: clinical testing. Allele origin: germline.

GeneDx
Classification: Likely benign. Last evaluated: 2018-07-16. Review status: criteria provided, single submitter. Criteria: GeneDx Variant Classification Process June 2021. Collection method: clinical testing. Allele origin: germline. Affected: yes.

Laboratory for Molecular Medicine, Mass General Brigham Personalized Medicine
Classification: Likely benign. Last evaluated: 2014-08-22. Review status: criteria provided, single submitter. Criteria: LMM Criteria. Collection method: clinical testing. Allele origin: germline. Observed: 1 variant allele.
Comment: Thr445Thr in exon 15 of MYBPC3: This variant is not expected to have clinical si gnificance because it does not alter an amino acid residue and is not located wi thin the splice consensus sequence.

PreventionGenetics, part of Exact Sciences
Classification: Likely benign for MYBPC3-related condition. Last evaluated: 2020-09-18. Review status: no assertion criteria provided. Collection method: clinical testing. Allele origin: germline. Not counted in ClinVar's aggregate classification.
Comment: This variant is classified as likely benign based on ACMG/AMP sequence variant interpretation guidelines (Richards et al. 2015 PMID: 25741868, with internal and published modifications).